The following is an entry in ClinVar:

NM_001142800.2(EYS):c.3350G>A (p.Ser1117Asn)

Gene: EYS (EGF-like photoreceptor maintenance factor; minus strand). Cytogenetic location: 6q12.
Variant type: single nucleotide variant.
Coding change: c.3350G>A on transcript NM_001142800.2 (MANE Select); coding-DNA position 3350, G replaced by A.
Protein change: p.Ser1117Asn; replaces serine 1117 with asparagine.
Molecular consequence: missense variant.
Genome position (GRCh38, 1-based): chr6:64,813,471, C>T on the plus strand (G>A on the coding strand, the complement: EYS is on the minus strand). VCF-style: chr6-64813471-C-T. GRCh37 (hg19) VCF-style: chr6-65523364-C-T.
Other names: c.3350G>A, p.Ser1117Asn (NM_001292009.2); short protein forms S1117N.
Identifiers: ClinVar variation 1391387 (VCV001391387.5), dbSNP rs1001606082, ClinGen allele CA140368134.

ClinVar aggregate classification (germline): Uncertain significance. Review status: criteria provided, multiple submitters, no conflicts (2 of 4 stars). 2 submissions from 2 submitters: Uncertain significance (2). Last evaluated 2022-11-03.

Allele frequency attached by ClinVar (database versions not stated): TOPMed below 0.00001; gnomAD 0.00001; 1000 Genomes Project 30x 0.00016.
gnomAD v4.1: 2 of 1,550,256 alleles (0.00013%); highest among the groups gnomAD compares: African/African-American, 0.0027%; no homozygotes.

Submissions (2):

Blueprint Genetics
Classification: Uncertain significance. Last evaluated: 2022-11-03. Review status: criteria provided, single submitter. Criteria: ACMG Guidelines, 2015. Collection method: clinical testing. Allele origin: germline.

Labcorp Genetics (formerly Invitae), Labcorp
Classification: Uncertain significance. Last evaluated: 2022-08-19. Review status: criteria provided, single submitter. Criteria: Invitae Variant Classification Sherloc (09022015). Collection method: clinical testing. Allele origin: germline.
Comment: In summary, the available evidence is currently insufficient to determine the role of this variant in disease. Therefore, it has been classified as a Variant of Uncertain Significance. Algorithms developed to predict the effect of missense changes on protein structure and function output the following: SIFT: "Tolerated"; PolyPhen-2: "Benign"; Align-GVGD: "Class C0". The asparagine amino acid residue is found in multiple mammalian species, which suggests that this missense change does not adversely affect protein function. ClinVar contains an entry for this variant (Variation ID: 1391387). This variant has not been reported in the literature in individuals affected with EYS-related conditions. This variant is not present in population databases (gnomAD no frequency). This sequence change replaces serine, which is neutral and polar, with asparagine, which is neutral and polar, at codon 1117 of the EYS protein (p.Ser1117Asn).